The following is an entry in ClinVar:

NM_000255.4(MMUT):c.1198A>T (p.Lys400Ter)

Gene: MMUT (methylmalonyl-CoA mutase; minus strand). Cytogenetic location: 6p12.3.
Variant type: single nucleotide variant.
Coding change: c.1198A>T on transcript NM_000255.4 (MANE Select); coding-DNA position 1198, A replaced by T.
Protein change: p.Lys400Ter; replaces lysine 400 with a stop codon.
Molecular consequence: nonsense.
Genome position (GRCh38, 1-based): chr6:49,451,600, T>A on the plus strand (A>T on the coding strand, the complement: MMUT is on the minus strand). VCF-style: chr6-49451600-T-A. GRCh37 (hg19) VCF-style: chr6-49419313-T-A.
Other names: short protein forms K400*.
Identifiers: ClinVar variation 984148 (VCV000984148.3), dbSNP rs1767555126, ClinGen allele CA364398909.

ClinVar aggregate classification (germline): Likely pathogenic (1 of 4 stars; one submission).

Conditions:
Methylmalonic aciduria due to methylmalonyl-CoA mutase deficiency (MAMM). Also called: Methylmalonic aciduria, mut type. Identifiers: Orphanet 27, MedGen C1855114, MONDO:0009612, OMIM 251000.

Submission:

Myriad Genetics, Inc.
Classification: Likely pathogenic for Methylmalonic aciduria due to methylmalonyl-CoA mutase deficiency. Last evaluated: 2019-12-29. Review status: criteria provided, single submitter. Criteria: Myriad Women's Health Autosomal Recessive and X-Linked Classification Criteria (2019). Collection method: clinical testing. Allele origin: unknown.
Comment: NM_000255.3(MUT):c.1198A>T(K400*) is expected to be pathogenic in the context of MUT-related methylmalonic acidemia. This variant is predicted to lead to an abnormal or absent protein product due to the creation of a premature termination codon in MUT, a gene where loss-of-function variants are known to be pathogenic. Please note: this variant was assessed in the context of healthy population screening.